The following is an entry in ClinVar:

NM_000352.6(ABCC8):c.4057T>C (p.Tyr1353His)

Gene: ABCC8 (ATP binding cassette subfamily C member 8; minus strand). Cytogenetic location: 11p15.1.
Variant type: single nucleotide variant.
Coding change: c.4057T>C on transcript NM_000352.6 (MANE Select); coding-DNA position 4057, T replaced by C.
Protein change: p.Tyr1353His; replaces tyrosine 1353 with histidine.
Molecular consequence: missense variant. On other transcripts: non-coding transcript variant (1).
Genome position (GRCh38, 1-based): chr11:17,396,978, A>G on the plus strand (T>C on the coding strand, the complement: ABCC8 is on the minus strand). VCF-style: chr11-17396978-A-G. GRCh37 (hg19) VCF-style: chr11-17418525-A-G.
Other names: c.4060T>C, p.Tyr1354His (NM_001287174.3); c.4123T>C, p.Tyr1375His (NM_001351295.2); c.4057T>C, p.Tyr1353His (NM_001351296.2); c.4054T>C, p.Tyr1352His (NM_001351297.2); short protein forms Y1352H, Y1353H, Y1354H, Y1375H.
Identifiers: ClinVar variation 2027939 (VCV002027939.4), dbSNP rs2496462086, ClinGen allele CA379790654.
Genomic context (GRCh38, chr11:17,396,978, plus strand): 5'-TCTGTCCAGGGGCGATGAGGGCATTGACGTGCTTCAGCACCGGCTTCAGGGAGCTGTCGT[A>G]GCGCACGCTCAGGTTCTGGATCTGGATCTTCCCTTGGTCTGGCCAGTTCTTTGGGATCAG-3'
Protein context (NP_000343.2, residues 1343-1363): KIQIQNLSVR[Tyr1353His]DSSLKPVLKH

ClinVar aggregate classification (germline): Uncertain significance (1 of 4 stars; one submission).

Submission:

Labcorp Genetics (formerly Invitae), Labcorp
Classification: Uncertain significance. Last evaluated: 2022-08-30. Review status: criteria provided, single submitter. Criteria: Invitae Variant Classification Sherloc (09022015). Collection method: clinical testing. Allele origin: germline.
Comment: This variant disrupts the p.Tyr1353 amino acid residue in ABCC8. Other variant(s) that disrupt this residue have been observed in individuals with ABCC8-related conditions (PMID: 27188453), which suggests that this may be a clinically significant amino acid residue. In summary, the available evidence is currently insufficient to determine the role of this variant in disease. Therefore, it has been classified as a Variant of Uncertain Significance. Advanced modeling of protein sequence and biophysical properties (such as structural, functional, and spatial information, amino acid conservation, physicochemical variation, residue mobility, and thermodynamic stability) performed at Invitae indicates that this missense variant is expected to disrupt ABCC8 protein function. This missense change has been observed in individual(s) with clinical features of ABCC8-related conditions (Invitae). This variant is not present in population databases (gnomAD no frequency). This sequence change replaces tyrosine, which is neutral and polar, with histidine, which is basic and polar, at codon 1353 of the ABCC8 protein (p.Tyr1353His).

Literature cited by the submitters: PubMed 27188453.